The following is an entry in ClinVar:

NM_138638.5(CFL2):c.312-18dup

Gene: CFL2 (cofilin 2; minus strand). Cytogenetic location: 14q13.1.
Variant type: Duplication.
Coding change: c.312-18dup on transcript NM_138638.5 (MANE Select); 18 bases into the intron before coding-DNA position 312, one base duplicated (T; older notation c.312-18dupT).
Molecular consequence: intron variant.
Genome position (GRCh38, 1-based): chr14:34,713,143, A duplicated on the plus strand (T on the coding strand, the reverse complement: CFL2 is on the minus strand); the first of 12 consecutive A bases (chr14:34,713,143-34,713,154); duplicating any one gives the same sequence. VCF-style (leftmost placement, unchanged base first): chr14-34713142-G-GA. GRCh37 (hg19) VCF-style: chr14-35182348-G-GA.
Other names: p.?; c.312-7dup (NM_021914.7); c.261-18dup (NM_001243645.2); c.312-18dup (NM_021914.8).
Identifiers: ClinVar variation 1169467 (VCV001169467.11), dbSNP rs35515423, ClinGen allele CA7152290.

ClinVar aggregate classification (germline): Benign/Likely benign. Review status: criteria provided, multiple submitters, no conflicts (2 of 4 stars). 3 submissions from 3 submitters: Benign (2); Likely benign (1). Last evaluated 2025-11-22.

Conditions:
Nemaline myopathy 7 (NEM7). Also called: Nemaline myopathy 7, autosomal recessive. Identifiers: Orphanet 171436, MedGen C1853154, MONDO:0012538, OMIM 610687.

Submissions (3):

Labcorp Genetics (formerly Invitae), Labcorp
Classification: Benign for Nemaline myopathy 7. Last evaluated: 2025-11-22. Review status: criteria provided, single submitter. Criteria: Invitae Variant Classification Sherloc (09022015). Collection method: clinical testing. Allele origin: germline.

Blueprint Genetics
Classification: Likely benign. Last evaluated: 2024-11-27. Review status: criteria provided, single submitter. Criteria: ACMG Guidelines, 2015. Collection method: clinical testing. Allele origin: germline.

Mayo Clinic Laboratories, Mayo Clinic
Classification: Benign. Last evaluated: 2024-04-09. Review status: criteria provided, single submitter. Criteria: ACMG Guidelines, 2015. Collection method: clinical testing. Allele origin: germline. Observed: 86 variant alleles.
Comment: BA1, BS1, BP4, BP7